The following is an entry in ClinVar:

ClinVar aggregate classification (germline): Uncertain significance. Review status: criteria provided, multiple submitters, no conflicts (2 of 4 stars). 2 submissions from 2 submitters: Uncertain significance (2). Last evaluated 2025-03-11.

Conditions:
Rafiq syndrome (RAFQS). Identifiers: Orphanet 88616, MedGen C3280127, MONDO:0013624, OMIM 614202.
Inborn genetic diseases. Identifiers: MedGen C0950123, MeSH D030342.

Allele frequency attached by ClinVar (database versions not stated): gnomAD exomes below 0.00001; TOPMed 0.00002; gnomAD 0.00003.
gnomAD v4.1: 11 of 1,593,252 alleles (0.00069%); highest among the groups gnomAD compares: East Asian, 0.014%; no homozygotes.

Submissions (2):

Labcorp Genetics (formerly Invitae), Labcorp
Classification: Uncertain significance for Rafiq syndrome. Last evaluated: 2025-03-11. Review status: criteria provided, single submitter. Criteria: Invitae Variant Classification Sherloc (09022015). Collection method: clinical testing. Allele origin: germline.
Comment: This sequence change replaces proline, which is neutral and non-polar, with leucine, which is neutral and non-polar, at codon 44 of the MAN1B1 protein (p.Pro44Leu). The frequency data for this variant in the population databases is considered unreliable, as metrics indicate poor data quality at this position in the gnomAD database. This variant has not been reported in the literature in individuals affected with MAN1B1-related conditions. ClinVar contains an entry for this variant (Variation ID: 1769867). An algorithm developed to predict the effect of missense changes on protein structure and function (PolyPhen-2) suggests that this variant is likely to be tolerated. In summary, the available evidence is currently insufficient to determine the role of this variant in disease. Therefore, it has been classified as a Variant of Uncertain Significance.

Ambry Genetics
Classification: Uncertain significance for Inborn genetic diseases. Last evaluated: 2018-07-24. Review status: criteria provided, single submitter. Criteria: Ambry Variant Classification Scheme 2023. Collection method: clinical testing. Allele origin: germline.
Comment: The p.P44L variant (also known as c.131C>T), located in coding exon 1 of the MAN1B1 gene, results from a C to T substitution at nucleotide position 131. The proline at codon 44 is replaced by leucine, an amino acid with similar properties. This amino acid position is not conserved on limited sequence alignment. In addition, this alteration is predicted to be tolerated by in silico analysis. Since supporting evidence is limited at this time, the clinical significance of this alteration remains unclear.

NM_016219.5(MAN1B1):c.131C>T (p.Pro44Leu)

Genes: MAN1B1 (mannosidase alpha class 1B member 1; plus strand), LOC130003078 (ATAC-STARR-seq lymphoblastoid active region 29343; plus strand), LOC130003079 (ATAC-STARR-seq lymphoblastoid silent region 20579; plus strand). Cytogenetic location: 9q34.3.
Variant type: single nucleotide variant.
Coding change: c.131C>T on transcript NM_016219.5 (MANE Select); coding-DNA position 131, C replaced by T.
Protein change: p.Pro44Leu; replaces proline 44 with leucine.
Molecular consequence: missense variant. On other transcripts: non-coding transcript variant (2).
Genome position (GRCh38, 1-based): chr9:137,087,130, C>T. VCF-style: chr9-137087130-C-T. GRCh37 (hg19) VCF-style: chr9-139981582-C-T.
Other names: c.23C>T, p.Pro8Leu (NM_007230.1); short protein forms P8L, P44L.
Identifiers: ClinVar variation 1769867 (VCV001769867.3), dbSNP rs1485288676, ClinGen allele CA375671341.